The following is an entry in ClinVar:

NM_181712.5(KANK4):c.332C>T (p.Pro111Leu)

Gene: KANK4 (KN motif and ankyrin repeat domains 4; minus strand). Cytogenetic location: 1p31.3.
Variant type: single nucleotide variant.
Coding change: c.332C>T on transcript NM_181712.5 (MANE Select); coding-DNA position 332, C replaced by T.
Protein change: p.Pro111Leu; replaces proline 111 with leucine.
Molecular consequence: missense variant. On other transcripts: intron variant (1).
Genome position (GRCh38, 1-based): chr1:62,274,772, G>A on the plus strand (C>T on the coding strand, the complement: KANK4 is on the minus strand). VCF-style: chr1-62274772-G-A. GRCh37 (hg19) VCF-style: chr1-62740444-G-A.
Other names: c.17-3183C>T (NM_001320269.2); c.332C>T (NM_181712.4); short protein forms P111L.
Identifiers: ClinVar variation 2060171 (VCV002060171.8), dbSNP rs755176126, ClinGen allele CA884591.

ClinVar aggregate classification (germline): Conflicting classifications of pathogenicity. Review status: criteria provided, conflicting classifications (1 of 4 stars). 3 submissions from 3 submitters: Uncertain significance (1); Likely benign (1). 1 of the submissions does not count toward it. Last evaluated 2025-11-09.

Conditions:
KANK4-related disorder. Also called: KANK4-related condition.

Allele frequency attached by ClinVar (database versions not stated): TOPMed 0.00006.
gnomAD v4.1: 63 of 1,613,970 alleles (0.0039%); highest among the groups gnomAD compares: East Asian, 0.013%; no homozygotes.

Submissions (3):

Labcorp Genetics (formerly Invitae), Labcorp
Classification: Uncertain significance. Last evaluated: 2025-11-09. Review status: criteria provided, single submitter. Criteria: Invitae Variant Classification Sherloc (09022015). Collection method: clinical testing. Allele origin: germline.
Comment: This sequence change replaces proline, which is neutral and non-polar, with leucine, which is neutral and non-polar, at codon 111 of the KANK4 protein (p.Pro111Leu). The frequency data for this variant in the population databases is considered unreliable, as metrics indicate poor data quality at this position in the gnomAD database. This variant has not been reported in the literature in individuals affected with KANK4-related conditions. ClinVar contains an entry for this variant (Variation ID: 2060171). An algorithm developed to predict the effect of missense changes on protein structure and function outputs the following: PolyPhen-2: "Benign". The leucine amino acid residue is found in multiple mammalian species, which suggests that this missense change does not adversely affect protein function. In summary, the available evidence is currently insufficient to determine the role of this variant in disease. Therefore, it has been classified as a Variant of Uncertain Significance.

Ambry Genetics
Classification: Likely benign. Last evaluated: 2025-03-17. Review status: criteria provided, single submitter. Criteria: Ambry Variant Classification Scheme 2023. Collection method: clinical testing. Allele origin: germline.

PreventionGenetics, part of Exact Sciences
Classification: Uncertain significance for KANK4-related condition. Last evaluated: 2024-05-01. Review status: no assertion criteria provided. Collection method: clinical testing. Allele origin: germline. Not counted in ClinVar's aggregate classification.
Comment: The KANK4 c.332C>T variant is predicted to result in the amino acid substitution p.Pro111Leu. To our knowledge, this variant has not been reported in the literature. This variant is reported in 0.040% of alleles in individuals of East Asian descent in gnomAD. At this time, the clinical significance of this variant is uncertain due to the absence of conclusive functional and genetic evidence.